The following is an entry in ClinVar:

ClinVar aggregate classification (germline): Uncertain significance. Review status: criteria provided, multiple submitters, no conflicts (2 of 4 stars). 4 submissions from 4 submitters: Uncertain significance (4). Last evaluated 2025-07-13.

Conditions:
Melnick-Needles syndrome (MNS). Also called: MELNICK-NEEDLES OSTEODYSPLASTY; Melnick-Needles Syndrome (FLNA-MNS); OSTEODYSPLASTY OF MELNICK AND NEEDLES. Identifiers: Orphanet 2484, MedGen C0025237, MONDO:0010650, OMIM 309350.
Frontometaphyseal dysplasia (FMD1). Identifiers: Orphanet 1826, MedGen C0265293, MONDO:0015942.
Heterotopia, periventricular, X-linked dominant (PVNH1). Also called: PERIVENTRICULAR NODULAR HETEROTOPIA 4; HETEROTOPIA, PERIVENTRICULAR, 1; PERIVENTRICULAR NODULAR HETEROTOPIA 1; X-linked periventricular heterotopia. Identifiers: Orphanet 2149, Orphanet 82004, MedGen C1848213, MONDO:0010233, OMIM 300049.
Oto-palato-digital syndrome, type II (OPD2). Also called: Otopalatodigital Syndrome Type 2 (FLNA-OPD2); FACIOPALATOOSSEOUS SYNDROME; OPD II SYNDROME; Otopalatodigital Syndrome, Type II. Identifiers: Orphanet 669, Orphanet 90652, MedGen C1844696, MONDO:0010571, OMIM 304120.
Familial thoracic aortic aneurysm and aortic dissection (TAAD). Also called: Thoracic aortic aneurysms and dissections. Identifiers: Orphanet 91387, MedGen C4707243, MONDO:0019625.

Allele frequency attached by ClinVar (database versions not stated): gnomAD exomes below 0.00001.
gnomAD v4.1: 1 of 1,211,597 alleles (0.000083%); highest among the groups gnomAD compares: Non-Finnish European, 0.00011%; no homozygotes.

Submissions (4):

Labcorp Genetics (formerly Invitae), Labcorp
Classification: Uncertain significance for Oto-palato-digital syndrome, type II; Heterotopia, periventricular, X-linked dominant; Frontometaphyseal dysplasia; Melnick-Needles syndrome. Last evaluated: 2025-07-13. Review status: criteria provided, single submitter. Criteria: Invitae Variant Classification Sherloc (09022015). Collection method: clinical testing. Allele origin: germline.
Comment: This sequence change replaces proline, which is neutral and non-polar, with leucine, which is neutral and non-polar, at codon 277 of the FLNA protein (p.Pro277Leu). This variant is not present in population databases (gnomAD no frequency). This variant has not been reported in the literature in individuals affected with FLNA-related conditions. ClinVar contains an entry for this variant (Variation ID: 519566). Invitae Evidence Modeling of protein sequence and biophysical properties (such as structural, functional, and spatial information, amino acid conservation, physicochemical variation, residue mobility, and thermodynamic stability) has been performed for this missense variant. However, the output from this modeling did not meet the statistical confidence thresholds required to predict the impact of this variant on FLNA protein function. In summary, the available evidence is currently insufficient to determine the role of this variant in disease. Therefore, it has been classified as a Variant of Uncertain Significance.

Ambry Genetics
Classification: Uncertain significance for Familial thoracic aortic aneurysm and aortic dissection. Last evaluated: 2025-03-10. Review status: criteria provided, single submitter. Criteria: Ambry Variant Classification Scheme 2023. Collection method: clinical testing. Allele origin: germline.
Comment: The p.P277L variant (also known as c.830C>T), located in coding exon 4 of the FLNA gene, results from a C to T substitution at nucleotide position 830. The proline at codon 277 is replaced by leucine, an amino acid with similar properties. This amino acid position is highly conserved in available vertebrate species. In addition, the in silico prediction for this alteration is inconclusive. Based on the available evidence, the clinical significance of this variant remains unclear.

GeneDx
Classification: Uncertain significance. Last evaluated: 2023-05-30. Review status: criteria provided, single submitter. Criteria: GeneDx Variant Classification Process June 2021. Collection method: clinical testing. Allele origin: germline. Affected: yes.
Comment: In silico analysis supports that this missense variant has a deleterious effect on protein structure/function; Has not been previously published as pathogenic or benign to our knowledge

ARUP Laboratories, Molecular Genetics and Genomics, ARUP Laboratories
Classification: Uncertain significance. Last evaluated: 2022-03-11. Review status: criteria provided, single submitter. Criteria: ARUP Molecular Germline Variant Investigation Process 2021. Collection method: clinical testing. Allele origin: germline.
Comment: The FLNA c.830C>T; p.Pro277Leu variant (rs1557179540), to our knowledge, is not reported in the medical literature but is reported in ClinVar (Variation ID: 519566). This variant is absent from the Genome Aggregation Database, indicating it is not a common polymorphism. The proline at codon 277 is highly conserved, but computational analyses are uncertain whether this variant is neutral or deleterious (REVEL: 0.564). Due to limited information, the clinical significance of this variant is uncertain at this time.

NM_001110556.2(FLNA):c.830C>T (p.Pro277Leu)

Gene: FLNA (filamin A; minus strand). Cytogenetic location: Xq28.
Variant type: single nucleotide variant.
Coding change: c.830C>T on transcript NM_001110556.2 (MANE Select); coding-DNA position 830, C replaced by T.
Protein change: p.Pro277Leu; replaces proline 277 with leucine.
Molecular consequence: missense variant.
Genome position (GRCh38, 1-based): chrX:154,367,435, G>A on the plus strand (C>T on the coding strand, the complement: FLNA is on the minus strand). VCF-style: chrX-154367435-G-A. GRCh37 (hg19) VCF-style: chrX-153595803-G-A.
Other names: c.830C>T, p.Pro277Leu (NM_001456.4); short protein forms P277L.
Identifiers: ClinVar variation 519566 (VCV000519566.14), dbSNP rs1557179540, ClinGen allele CA415248413.
Genomic context (GRCh38, chrX:154,367,435, plus strand): 5'-ACCCCTGGTGGGGCTCCCTCACCTGGCCCGTAGGCACGGGCTTTCTTCGGGTTCAGTTTG[G>A]GCCGCAAGGGAGCCCCTGGCTTCAGCTTGGCCTTGGGGAACTGGGACAGGTAGGTCATGA-3'
Protein context (NP_001104026.1, residues 267-287): AKLKPGAPLR[Pro277Leu]KLNPKKARAY